The following is an entry in ClinVar:

NM_005236.3(ERCC4):c.26G>C (p.Arg9Pro)

Genes: ERCC4 (ERCC excision repair 4, endonuclease catalytic subunit; plus strand), LOC130058543 (ATAC-STARR-seq lymphoblastoid active region 10486; plus strand). Cytogenetic location: 16p13.12.
Variant type: single nucleotide variant.
Coding change: c.26G>C on transcript NM_005236.3 (MANE Select); coding-DNA position 26, G replaced by C.
Protein change: p.Arg9Pro; replaces arginine 9 with proline.
Molecular consequence: missense variant.
Genome position (GRCh38, 1-based): chr16:13,920,191, G>C. VCF-style: chr16-13920191-G-C. GRCh37 (hg19) VCF-style: chr16-14014048-G-C.
Other names: short protein forms R9P.
Identifiers: ClinVar variation 854210 (VCV000854210.10), dbSNP rs1214498950, ClinGen allele CA394815872.

ClinVar aggregate classification (germline): Uncertain significance (1 of 4 stars; one submission).

Conditions:
Cockayne syndrome. Identifiers: Orphanet 191, MedGen C0009207, MONDO:0016006.
Xeroderma pigmentosum, group F (XPF). Also called: XERODERMA PIGMENTOSUM VI; XP, GROUP F; XERODERMA PIGMENTOSUM, COMPLEMENTATION GROUP F; ERCC4-Related Xeroderma Pigmentosum; XERODERMA PIGMENTOSUM, TYPE F; Xeroderma pigmentosum, type 6. Identifiers: MedGen C0268140, MONDO:0010215, OMIM 278760.
Fanconi anemia complementation group Q. Identifiers: Orphanet 84, MedGen C3808988, MONDO:0014108, OMIM 615272.

Allele frequency attached by ClinVar (database versions not stated): gnomAD exomes below 0.00001.
gnomAD v4.1: 1 of 1,606,602 alleles (0.000062%); highest among the groups gnomAD compares: East Asian, 0.0022%; no homozygotes.

Submission:

Labcorp Genetics (formerly Invitae), Labcorp
Classification: Uncertain significance for Fanconi anemia complementation group Q; Xeroderma pigmentosum, group F; Cockayne syndrome. Last evaluated: 2023-08-10. Review status: criteria provided, single submitter. Criteria: Invitae Variant Classification Sherloc (09022015). Collection method: clinical testing. Allele origin: germline.
Comment: This sequence change replaces arginine, which is basic and polar, with proline, which is neutral and non-polar, at codon 9 of the ERCC4 protein (p.Arg9Pro). This variant is present in population databases (no rsID available, gnomAD 0.006%). This variant has not been reported in the literature in individuals affected with ERCC4-related conditions. ClinVar contains an entry for this variant (Variation ID: 854210). Algorithms developed to predict the effect of missense changes on protein structure and function output the following: SIFT: "Not Available"; PolyPhen-2: "Benign"; Align-GVGD: "Not Available". The proline amino acid residue is found in multiple mammalian species, which suggests that this missense change does not adversely affect protein function. In summary, the available evidence is currently insufficient to determine the role of this variant in disease. Therefore, it has been classified as a Variant of Uncertain Significance.